The following is an entry in ClinVar:

NM_002075.4(GNB3):c.286C>T (p.Arg96Cys)

Gene: GNB3 (G protein subunit beta 3; plus strand). Cytogenetic location: 12p13.31.
Variant type: single nucleotide variant.
Coding change: c.286C>T on transcript NM_002075.4 (MANE Select); coding-DNA position 286, C replaced by T.
Protein change: p.Arg96Cys; replaces arginine 96 with cysteine.
Molecular consequence: missense variant.
Genome position (GRCh38, 1-based): chr12:6,843,381, C>T. VCF-style: chr12-6843381-C-T. GRCh37 (hg19) VCF-style: chr12-6952545-C-T.
Other names: c.286C>T, p.Arg96Cys (NM_001297571.2); short protein forms R96C.
Identifiers: ClinVar variation 2984700 (VCV002984700.3), dbSNP rs782370043, ClinGen allele CA6417504.

ClinVar aggregate classification (germline): Uncertain significance (1 of 4 stars; one submission).

Allele frequency attached by ClinVar (database versions not stated): gnomAD 0.00001; ExAC 0.00002; gnomAD exomes 0.00002; TOPMed 0.00002.

Submission:

Labcorp Genetics (formerly Invitae), Labcorp
Classification: Uncertain significance. Last evaluated: 2025-01-13. Review status: criteria provided, single submitter. Criteria: Invitae Variant Classification Sherloc (09022015). Collection method: clinical testing. Allele origin: germline.
Comment: This sequence change replaces arginine, which is basic and polar, with cysteine, which is neutral and slightly polar, at codon 96 of the GNB3 protein (p.Arg96Cys). This variant is present in population databases (rs782370043, gnomAD 0.006%). This variant has not been reported in the literature in individuals affected with GNB3-related conditions. ClinVar contains an entry for this variant (Variation ID: 2984700). Invitae Evidence Modeling of protein sequence and biophysical properties (such as structural, functional, and spatial information, amino acid conservation, physicochemical variation, residue mobility, and thermodynamic stability) indicates that this missense variant is expected to disrupt GNB3 protein function with a positive predictive value of 80%. Algorithms developed to predict the effect of sequence changes on RNA splicing suggest that this variant may create or strengthen a splice site. In summary, the available evidence is currently insufficient to determine the role of this variant in disease. Therefore, it has been classified as a Variant of Uncertain Significance.